The following is an entry in ClinVar:

NM_004006.3(DMD):c.6614G>T (p.Arg2205Met)

Gene: DMD (dystrophin; minus strand). Cytogenetic location: Xp21.1.
Variant type: single nucleotide variant.
Coding change: c.6614G>T on transcript NM_004006.3 (MANE Select); coding-DNA position 6614, G replaced by T.
Protein change: p.Arg2205Met; replaces arginine 2205 with methionine.
Molecular consequence: missense variant. On other transcripts: 5 prime UTR variant (5).
Genome position (GRCh38, 1-based): chrX:31,968,339, C>A on the plus strand (G>T on the coding strand, the complement: DMD is on the minus strand). VCF-style: chrX-31968339-C-A. GRCh37 (hg19) VCF-style: chrX-31986456-C-A.
Other names: c.6590G>T, p.Arg2197Met (NM_000109.4); c.6602G>T, p.Arg2201Met (NM_004009.3); c.6245G>T, p.Arg2082Met (NM_004010.3); c.2591G>T, p.Arg864Met (NM_004011.4); c.2582G>T, p.Arg861Met (NM_004012.4); c.-767G>T (NM_004013.3, NM_004020.4, NM_004021.3 and 2 more transcripts); short protein forms R2197M, R864M, R2201M, R861M, R2082M, R2205M.
Identifiers: ClinVar variation 650688 (VCV000650688.7), dbSNP rs1603618489, ClinGen allele CA412659455.

ClinVar aggregate classification (germline): Likely pathogenic (1 of 4 stars; one submission).

Conditions:
Duchenne muscular dystrophy (DMD). Also called: MUSCULAR DYSTROPHY, PSEUDOHYPERTROPHIC PROGRESSIVE, DUCHENNE TYPE; Duchenne Muscular Dystrophy (DMD). Identifiers: Orphanet 98896, MedGen C0013264, MONDO:0010679, OMIM 310200.

Submission:

Labcorp Genetics (formerly Invitae), Labcorp
Classification: Likely pathogenic for Duchenne muscular dystrophy. Last evaluated: 2021-08-17. Review status: criteria provided, single submitter. Criteria: Invitae Variant Classification Sherloc (09022015). Collection method: clinical testing. Allele origin: germline.
Comment: This sequence change replaces arginine with methionine at codon 2205 of the DMD protein (p.Arg2205Met). The arginine residue is highly conserved and there is a moderate physicochemical difference between arginine and methionine. This variant also falls at the last nucleotide of exon 45, which is part of the consensus splice site for this exon. This variant is not present in population databases (ExAC no frequency). This variant has been observed in individuals with clinical features of Duchenne muscular dystrophy (Invitae). ClinVar contains an entry for this variant (Variation ID: 650688). Algorithms developed to predict the effect of missense changes on protein structure and function are either unavailable or do not agree on the potential impact of this missense change (SIFT: "Deleterious"; PolyPhen-2: "Possibly Damaging"; Align-GVGD: "Class C0"). Nucleotide substitutions within the consensus splice site are a relatively common cause of aberrant splicing (PMID: 17576681, 9536098). Algorithms developed to predict the effect of sequence changes on RNA splicing suggest that this variant may disrupt the consensus splice site. In summary, the currently available evidence indicates that the variant is pathogenic, but additional data are needed to prove that conclusively. Therefore, this variant has been classified as Likely Pathogenic.

Literature cited by the submitters: PubMed 17576681; PubMed 9536098.